The following is an entry in ClinVar:

NM_000138.5(FBN1):c.6163+3_6163+8del

Gene: FBN1 (fibrillin 1; minus strand). Cytogenetic location: 15q21.1.
Variant type: Deletion.
Coding change: c.6163+3_6163+8del on transcript NM_000138.5 (MANE Select); bases 3 to 8 of the intron after coding-DNA position 6163, 6 bases deleted (AAGTGT; older notation c.6163+3_6163+8delAAGTGT).
Molecular consequence: splice donor variant.
Genome position (GRCh38, 1-based): chr15:48,441,713-48,441,718, ACACTT deleted on the plus strand (AAGTGT on the coding strand, the reverse complement: FBN1 is on the minus strand); deleting any 6 consecutive bases within chr15:48,441,713-48,441,720 gives the same sequence; the c. name uses the placement nearest the transcript's 3' end. VCF-style (leftmost placement, unchanged base first): chr15-48441712-GACACTT-G. GRCh37 (hg19) VCF-style: chr15-48733909-GACACTT-G.
Other names: c.6163+3_6163+8del (NM_001406716.1).
Identifiers: ClinVar variation 3381126 (VCV003381126.1).

ClinVar aggregate classification (germline): Pathogenic (1 of 4 stars; one submission).

Submission:

Mayo Clinic Laboratories, Mayo Clinic
Classification: Pathogenic. Last evaluated: 2023-09-07. Review status: criteria provided, single submitter. Criteria: ACMG Guidelines, 2015. Collection method: clinical testing. Allele origin: germline. Observed: 1 variant allele.
Comment: PP3, PM1_strong, PM2, PM4, PS3_supporting, PS4_supporting

Literature cited by the submitters: PubMed 8894692.